The following is an entry in ClinVar:

NM_004655.4(AXIN2):c.1559A>C (p.His520Pro)

Gene: AXIN2 (axin 2; minus strand). Cytogenetic location: 17q24.1.
Variant type: single nucleotide variant.
Coding change: c.1559A>C on transcript NM_004655.4 (MANE Select); coding-DNA position 1559, A replaced by C.
Protein change: p.His520Pro; replaces histidine 520 with proline.
Molecular consequence: missense variant.
Genome position (GRCh38, 1-based): chr17:65,537,477, T>G on the plus strand (A>C on the coding strand, the complement: AXIN2 is on the minus strand). VCF-style: chr17-65537477-T-G. GRCh37 (hg19) VCF-style: chr17-63533595-T-G.
Other names: c.1559A>C, p.His520Pro (NM_001363813.1); short protein forms H520P.
Identifiers: ClinVar variation 844602 (VCV000844602.9), dbSNP rs2043949386, ClinGen allele CA400677266.
Genomic context (GRCh38, chr17:65,537,477, plus strand): 5'-TGCACCCGCTGCGTGGCCTCCGCCTCGATCTCCTCCTTGGTCTTGGGGACGGCATGGTGG[T>G]GGATGTAGTGGTGGTGGACATGCTTCGTCGTCTGCTTGGTCACAAAGCCTTTGCCCCCGA-3'
Protein context (NP_004646.3, residues 510-530): TTKHVHHHYI[His520Pro]HHAVPKTKEE

ClinVar aggregate classification (germline): Uncertain significance (1 of 4 stars; one submission).

Conditions:
Oligodontia-cancer predisposition syndrome. Also called: TOOTH AGENESIS-COLORECTAL CANCER SYNDROME. Identifiers: Orphanet 300576, MedGen C1837750, MONDO:0012075, OMIM 608615. Disease mechanism: loss of function.

Submission:

Labcorp Genetics (formerly Invitae), Labcorp
Classification: Uncertain significance for Oligodontia-cancer predisposition syndrome. Last evaluated: 2019-04-01. Review status: criteria provided, single submitter. Criteria: Invitae Variant Classification Sherloc (09022015). Collection method: clinical testing. Allele origin: germline.
Comment: In summary, the available evidence is currently insufficient to determine the role of this variant in disease. Therefore, it has been classified as a Variant of Uncertain Significance. Algorithms developed to predict the effect of missense changes on protein structure and function (SIFT, PolyPhen-2, Align-GVGD) all suggest that this variant is likely to be disruptive, but these predictions have not been confirmed by published functional studies and their clinical significance is uncertain. This variant has not been reported in the literature in individuals with AXIN2-related conditions. This variant is not present in population databases (ExAC no frequency). This sequence change replaces histidine with proline at codon 520 of the AXIN2 protein (p.His520Pro). The histidine residue is highly conserved and there is a moderate physicochemical difference between histidine and proline.